The following is an entry in ClinVar:

NM_005850.5(SF3B4):c.1085T>C (p.Met362Thr)

Gene: SF3B4 (splicing factor 3b subunit 4; minus strand). Cytogenetic location: 1q21.2.
Variant type: single nucleotide variant.
Coding change: c.1085T>C on transcript NM_005850.5 (MANE Select); coding-DNA position 1085, T replaced by C.
Protein change: p.Met362Thr; replaces methionine 362 with threonine.
Molecular consequence: missense variant.
Genome position (GRCh38, 1-based): chr1:149,923,843, A>G on the plus strand (T>C on the coding strand, the complement: SF3B4 is on the minus strand). VCF-style: chr1-149923843-A-G. GRCh37 (hg19) VCF-style: chr1-149895735-A-G.
Other names: short protein forms M362T.
Identifiers: ClinVar variation 3389580 (VCV003389580.14).

ClinVar aggregate classification (germline): Uncertain significance (1 of 4 stars; one submission).

Submission:

CeGaT Center for Human Genetics Tuebingen
Classification: Uncertain significance. Last evaluated: 2024-09-01. Review status: criteria provided, single submitter. Criteria: CeGaT Center For Human Genetics Tuebingen Variant Classification Criteria Version 2. Collection method: clinical testing. Allele origin: germline. Affected: yes. Observed: 1 variant allele.
Comment: SF3B4: PM2